The following is an entry in ClinVar:

ClinVar aggregate classification (germline): Uncertain significance (1 of 4 stars; one submission).

Submission:

GeneDx
Classification: Uncertain significance. Last evaluated: 2023-01-09. Review status: criteria provided, single submitter. Criteria: GeneDx Variant Classification Process June 2021. Collection method: clinical testing. Allele origin: germline. Affected: yes.
Comment: Has not been previously published as pathogenic or benign to our knowledge; Not observed at significant frequency in large population cohorts (gnomAD); In silico analysis supports that this missense variant has a deleterious effect on protein structure/function

NM_002317.7(LOX):c.168C>G (p.Ser56Arg)

Genes: LOX (lysyl oxidase; minus strand), SRFBP1 (serum response factor binding protein 1; plus strand). Cytogenetic location: 5q23.1.
Variant type: single nucleotide variant.
Coding change: c.168C>G on transcript NM_002317.7 (MANE Select); coding-DNA position 168, C replaced by G.
Protein change: p.Ser56Arg; replaces serine 56 with arginine.
Molecular consequence: missense variant.
Genome position (GRCh38, 1-based): chr5:122,077,818, G>C on the plus strand (C>G on the coding strand, the complement: LOX is on the minus strand). VCF-style: chr5-122077818-G-C. GRCh37 (hg19) VCF-style: chr5-121413513-G-C.
Other names: short protein forms S56R.
Identifiers: ClinVar variation 2571771 (VCV002571771.1), dbSNP rs1036096526, ClinGen allele CA360877796.